The following is an entry in ClinVar:

NM_001164508.2(NEB):c.21887_21888del (p.Ser7296fs)

Genes: NEB (nebulin; minus strand), RIF1 (replication timing regulatory factor 1; plus strand). Cytogenetic location: 2q23.3.
Variant type: Deletion.
Coding change: c.21887_21888del on transcript NM_001164508.2 (MANE Select); coding-DNA positions 21887 to 21888, 2 bases deleted (CT; older notation c.21887_21888delCT).
Protein change: p.Ser7296fs; shifts the reading frame from serine 7296.
Molecular consequence: frameshift variant.
Genome position (GRCh38, 1-based): chr2:151,526,975-151,526,976, AG deleted on the plus strand (CT on the coding strand, the reverse complement: NEB is on the minus strand); deleting any 2 consecutive bases within chr2:151,526,975-151,526,977 gives the same sequence; the c. name uses the placement nearest the transcript's 3' end. VCF-style (leftmost placement, unchanged base first): chr2-151526974-CAG-C. GRCh37 (hg19) VCF-style: chr2-152383488-CAG-C.
Other names: c.21887_21888del, p.Ser7296fs (NM_001164507.2); c.21992_21993del, p.Ser7331fs (NM_001271208.2); c.16784_16785del, p.Ser5595fs (NM_004543.5); short protein forms S5595fs, S7331fs, S7296fs.
Identifiers: ClinVar variation 2034069 (VCV002034069.4), dbSNP rs2552124435, ClinGen allele CA2580064029.

ClinVar aggregate classification (germline): Pathogenic (1 of 4 stars; one submission).

Conditions:
Nemaline myopathy 2 (NEM2). Also called: Nemaline myopathy 2, autosomal recessive. Identifiers: MedGen C1850569, MONDO:0009725, OMIM 256030.

Submission:

Labcorp Genetics (formerly Invitae), Labcorp
Classification: Pathogenic for Nemaline myopathy 2. Last evaluated: 2022-10-04. Review status: criteria provided, single submitter. Criteria: Invitae Variant Classification Sherloc (09022015). Collection method: clinical testing. Allele origin: germline.
Comment: For these reasons, this variant has been classified as Pathogenic. This variant has not been reported in the literature in individuals affected with NEB-related conditions. This variant is not present in population databases (gnomAD no frequency). This sequence change creates a premature translational stop signal (p.Ser7331Cysfs*3) in the NEB gene. It is expected to result in an absent or disrupted protein product. Loss-of-function variants in NEB are known to be pathogenic (PMID: 25205138).

Literature cited by the submitters: PubMed 25205138.